The following is an entry in ClinVar:

ClinVar aggregate classification (germline): Likely pathogenic (1 of 4 stars; one submission).

Submission:

GeneDx
Classification: Likely pathogenic. Last evaluated: 2015-02-20. Review status: criteria provided, single submitter. Criteria: GeneDx Variant Classification (06012015). Collection method: clinical testing. Allele origin: germline. Affected: yes.
Comment: A novel Y508D variant that is likely pathogenic was identified in the GYS2 gene. It has not been published as a pathogenic variant, nor has it been reported as a benign polymorphism to our knowledge. The Y508D variant is a non-conservative amino acid substitution, which is likely to impact secondary protein structure as these residues differ in polarity, charge, size and/or other properties. This substitution occurs at a position that is conserved across species. In silico analysis predicts this variant is probably damaging to the protein structure/function. Therefore, this is a strong candidate for a pathogenic variant, however the possibility that it is a benign variant cannot be excluded.

NM_021957.4(GYS2):c.1522T>G (p.Tyr508Asp)

Gene: GYS2 (glycogen synthase 2; minus strand). Cytogenetic location: 12p12.1.
Variant type: single nucleotide variant.
Coding change: c.1522T>G on transcript NM_021957.4 (MANE Select); coding-DNA position 1522, T replaced by G.
Protein change: p.Tyr508Asp; replaces tyrosine 508 with aspartic acid.
Molecular consequence: missense variant.
Genome position (GRCh38, 1-based): chr12:21,546,371, A>C on the plus strand (T>G on the coding strand, the complement: GYS2 is on the minus strand). VCF-style: chr12-21546371-A-C. GRCh37 (hg19) VCF-style: chr12-21699305-A-C.
Other names: short protein forms Y508D.
Identifiers: ClinVar variation 418240 (VCV000418240.2), dbSNP rs1064793143, ClinGen allele CA16619498.